The following is an entry in ClinVar:

ClinVar aggregate classification (germline): Uncertain significance. Review status: criteria provided, multiple submitters, no conflicts (2 of 4 stars). 3 submissions from 3 submitters: Uncertain significance (3). Last evaluated 2025-01-17.

Conditions:
Arrhythmogenic cardiomyopathy with wooly hair and keratoderma. Also called: Carvajal syndrome; Arrhythmogenic cardiomyopathy with woolly hair and keratoderma; PALMOPLANTAR KERATODERMA WITH LEFT VENTRICULAR CARDIOMYOPATHY AND WOOLLY HAIR; Dilated cardiomyopathy with woolly hair and keratoderma. Identifiers: Orphanet 65282, MedGen C1854063, MONDO:0011581, OMIM 605676.
Arrhythmogenic right ventricular dysplasia 8 (ARVD8). Also called: Arrhythmogenic Right Ventricular Dysplasia/Cardiomyopathy 8; ARRHYTHMOGENIC RIGHT VENTRICULAR DYSPLASIA, FAMILIAL, 8; ARRHYTHMOGENIC RIGHT VENTRICULAR CARDIOMYOPATHY 8. Identifiers: MedGen C1843896, MONDO:0011831, OMIM 607450.

Submissions (3):

Labcorp Genetics (formerly Invitae), Labcorp
Classification: Uncertain significance for Arrhythmogenic cardiomyopathy with wooly hair and keratoderma; Arrhythmogenic right ventricular dysplasia 8. Last evaluated: 2025-01-17. Review status: criteria provided, single submitter. Criteria: Invitae Variant Classification Sherloc (09022015). Collection method: clinical testing. Allele origin: germline.
Comment: This sequence change replaces tyrosine, which is neutral and polar, with asparagine, which is neutral and polar, at codon 1169 of the DSP protein (p.Tyr1169Asn). This variant is not present in population databases (gnomAD no frequency). This missense change has been observed in individual(s) with clinical features of dilated cardiomyopathy (PMID: 31317183). ClinVar contains an entry for this variant (Variation ID: 1414995). An algorithm developed to predict the effect of missense changes on protein structure and function (PolyPhen-2) suggests that this variant is likely to be disruptive. In summary, the available evidence is currently insufficient to determine the role of this variant in disease. Therefore, it has been classified as a Variant of Uncertain Significance.

GeneDx
Classification: Uncertain significance. Last evaluated: 2024-06-11. Review status: criteria provided, single submitter. Criteria: GeneDx Variant Classification Process June 2021. Collection method: clinical testing. Allele origin: germline. Affected: yes.
Comment: Identified in a patient with DCM in published literature (PMID: 31317183); Not observed at significant frequency in large population cohorts (gnomAD); In silico analysis indicates that this missense variant does not alter protein structure/function; This variant is associated with the following publications: (PMID: 31317183)

Blueprint Genetics
Classification: Uncertain significance. Last evaluated: 2023-10-13. Review status: criteria provided, single submitter. Criteria: ACMG Guidelines, 2015. Collection method: clinical testing. Allele origin: germline.

Literature cited by the submitters: PubMed 31317183 (cited by Labcorp Genetics (formerly Invitae), Labcorp).

NM_004415.4(DSP):c.3505T>A (p.Tyr1169Asn)

Gene: DSP (desmoplakin; plus strand). Cytogenetic location: 6p24.3.
Variant type: single nucleotide variant.
Coding change: c.3505T>A on transcript NM_004415.4 (MANE Select); coding-DNA position 3505, T replaced by A.
Protein change: p.Tyr1169Asn; replaces tyrosine 1169 with asparagine.
Molecular consequence: missense variant.
Genome position (GRCh38, 1-based): chr6:7,579,695, T>A. VCF-style: chr6-7579695-T-A. GRCh37 (hg19) VCF-style: chr6-7579928-T-A.
Other names: c.3505T>A, p.Tyr1169Asn (NM_001008844.3, NM_001319034.2); c.3505T>A (NM_004415.2); short protein forms Y1169N.
Identifiers: ClinVar variation 1414995 (VCV001414995.11), dbSNP rs2113691917, ClinGen allele CA362684216.